The following is an entry in ClinVar:

ClinVar aggregate classification (germline): Uncertain significance. Review status: criteria provided, single submitter (1 of 4 stars). 2 submissions from 2 submitters: Uncertain significance (1). 1 of the submissions does not count toward it. Last evaluated 2022-06-19.

Conditions:
Methylcrotonyl-CoA carboxylase deficiency. Also called: 3 Methylcrotonylglycinuria; 3-MCC Deficiency; Deficiency of methylcrotonoyl-CoA carboxylase. Identifiers: Orphanet 6, MedGen C4551505, MONDO:0018950.
3-methylcrotonyl-CoA carboxylase 2 deficiency. Also called: 3 alpha methylcrotonyl-CoA carboxylase 2 deficiency; 3 alpha methylcrotonylglycinuria 2; MCC 2 deficiency; Methylcrotonylglycinuria type 2; METHYLCROTONYLGLYCINURIA, TYPE II. Identifiers: Orphanet 6, MedGen C1859499, MONDO:0008862, OMIM 210210.

Allele frequency attached by ClinVar (database versions not stated): TOPMed below 0.00001.
gnomAD v4.1: 4 of 1,609,886 alleles (0.00025%); highest among the groups gnomAD compares: East Asian, 0.0022%; no homozygotes.

Submissions (2):

Labcorp Genetics (formerly Invitae), Labcorp
Classification: Uncertain significance for 3-methylcrotonyl-CoA carboxylase 2 deficiency. Last evaluated: 2022-06-19. Review status: criteria provided, single submitter. Criteria: Invitae Variant Classification Sherloc (09022015). Collection method: clinical testing. Allele origin: germline.
Comment: Variants that disrupt the consensus splice site are a relatively common cause of aberrant splicing (PMID: 17576681, 9536098). Algorithms developed to predict the effect of sequence changes on RNA splicing suggest that this variant is not likely to affect RNA splicing. In summary, the available evidence is currently insufficient to determine the role of this variant in disease. Therefore, it has been classified as a Variant of Uncertain Significance. ClinVar contains an entry for this variant (Variation ID: 991026). This sequence change falls in intron 2 of the MCCC2 gene. It does not directly change the encoded amino acid sequence of the MCCC2 protein. It affects a nucleotide within the consensus splice site. This variant is present in population databases (rs751519858, gnomAD 0.006%). This variant has not been reported in the literature in individuals affected with MCCC2-related conditions.

Natera, Inc.
Classification: Uncertain significance for 3-methylcrotonylglycinuria. Last evaluated: 2020-08-16. Review status: no assertion criteria provided. Collection method: clinical testing. Allele origin: germline. Not counted in ClinVar's aggregate classification.

Literature cited by the submitters: PubMed 17576681 (cited by Labcorp Genetics (formerly Invitae), Labcorp); PubMed 9536098 (cited by Labcorp Genetics (formerly Invitae), Labcorp).

NM_022132.5(MCCC2):c.196+3A>G

Gene: MCCC2 (methylcrotonyl-CoA carboxylase subunit 2; plus strand). Cytogenetic location: 5q13.2.
Variant type: single nucleotide variant.
Coding change: c.196+3A>G on transcript NM_022132.5 (MANE Select); 3 bases into the intron after coding-DNA position 196, A replaced by G.
Molecular consequence: intron variant.
Genome position (GRCh38, 1-based): chr5:71,592,995, A>G. VCF-style: chr5-71592995-A-G. GRCh37 (hg19) VCF-style: chr5-70888822-A-G.
Other names: c.196+3A>G (NM_001363147.1).
Identifiers: ClinVar variation 991026 (VCV000991026.8), dbSNP rs751519858, ClinGen allele CA3297685.